The following is an entry in ClinVar:

NM_001458.5(FLNC):c.517G>T (p.Val173Leu)

Gene: FLNC (filamin C; plus strand). Cytogenetic location: 7q32.1.
Variant type: single nucleotide variant.
Coding change: c.517G>T on transcript NM_001458.5 (MANE Select); coding-DNA position 517, G replaced by T.
Protein change: p.Val173Leu; replaces valine 173 with leucine.
Molecular consequence: missense variant.
Genome position (GRCh38, 1-based): chr7:128,835,490, G>T. VCF-style: chr7-128835490-G-T. GRCh37 (hg19) VCF-style: chr7-128475544-G-T.
Other names: c.517G>T, p.Val173Leu (NM_001127487.2); short protein forms V173L.
Identifiers: ClinVar variation 571435 (VCV000571435.12), dbSNP rs376235207, ClinGen allele CA4474046.
Genomic context (GRCh38, chr7:128,835,490, plus strand): 5'-GATGAGGATGCCCGCAAACAGACGCCCAAGCAGCGGCTGCTTGGCTGGATCCAGAACAAG[G>T]TGCCCCAGCTGCCCATCACCAACTTCAACCGTGACTGGCAGGACGGCAAAGCTCTGGGCG-3'
Protein context (NP_001449.3, residues 163-183): QRLLGWIQNK[Val173Leu]PQLPITNFNR

ClinVar aggregate classification (germline): Uncertain significance. Review status: criteria provided, multiple submitters, no conflicts (2 of 4 stars). 3 submissions from 3 submitters: Uncertain significance (3). Last evaluated 2025-10-02.

Conditions:
Hypertrophic cardiomyopathy 26. Also called: Cardiomyopathy, familial hypertrophic, 26. Identifiers: Orphanet 75249, MedGen C4310749, MONDO:0014883, OMIM 617047.
Distal myopathy with posterior leg and anterior hand involvement. Also called: WILLIAMS DISTAL MYOPATHY. Identifiers: Orphanet 63273, MedGen C3279722, MONDO:0013550, OMIM 614065.
Myofibrillar myopathy 5. Also called: Filaminopathy (type); FILAMINOPATHY, AUTOSOMAL DOMINANT. Identifiers: Orphanet 171445, MedGen C1836050, MONDO:0012289, OMIM 609524.
Cardiovascular phenotype. Identifiers: MedGen CN230736.

Allele frequency attached by ClinVar (database versions not stated): gnomAD exomes 0.00001; ExAC 0.00002; gnomAD 0.00004 and 0.00005; TOPMed 0.00007; ESP Exome Variant Server 0.00008.
gnomAD v4.1: 12 of 1,613,676 alleles (0.00074%); highest among the groups gnomAD compares: Admixed American, 0.0083%; no homozygotes.

Submissions (3):

Labcorp Genetics (formerly Invitae), Labcorp
Classification: Uncertain significance for Distal myopathy with posterior leg and anterior hand involvement; Myofibrillar myopathy 5; Hypertrophic cardiomyopathy 26. Last evaluated: 2025-10-02. Review status: criteria provided, single submitter. Criteria: Invitae Variant Classification Sherloc (09022015). Collection method: clinical testing. Allele origin: germline.
Comment: This sequence change replaces valine, which is neutral and non-polar, with leucine, which is neutral and non-polar, at codon 173 of the FLNC protein (p.Val173Leu). This variant is present in population databases (rs376235207, gnomAD 0.003%). This variant has not been reported in the literature in individuals affected with FLNC-related conditions. ClinVar contains an entry for this variant (Variation ID: 571435). Invitae Evidence Modeling of protein sequence and biophysical properties (such as structural, functional, and spatial information, amino acid conservation, physicochemical variation, residue mobility, and thermodynamic stability) has been performed for this missense variant. However, the output from this modeling did not meet the statistical confidence thresholds required to predict the impact of this variant on FLNC protein function. In summary, the available evidence is currently insufficient to determine the role of this variant in disease. Therefore, it has been classified as a Variant of Uncertain Significance.

KardioGenetik, Herz- und Diabeteszentrum NRW
Classification: Uncertain significance for Hypertrophic cardiomyopathy 26. Last evaluated: 2024-08-21. Review status: criteria provided, single submitter. Criteria: ACMG Guidelines, 2015. Collection method: clinical testing. Allele origin: unknown. Affected: yes. Observed: 1 variant allele.
Comment: PM2

Ambry Genetics
Classification: Uncertain significance for Cardiovascular phenotype. Last evaluated: 2024-01-23. Review status: criteria provided, single submitter. Criteria: Ambry Variant Classification Scheme 2023. Collection method: clinical testing. Allele origin: germline.